The following is an entry in ClinVar:

ClinVar aggregate classification (germline): Uncertain significance (1 of 4 stars; one submission).

Conditions:
Inborn genetic diseases. Identifiers: MedGen C0950123, MeSH D030342.

gnomAD v4.1: 2 of 1,614,090 alleles (0.00012%); highest among the groups gnomAD compares: Non-Finnish European, 0.000085%; no homozygotes.

Submission:

Ambry Genetics
Classification: Uncertain significance for Inborn genetic diseases. Last evaluated: 2025-06-28. Review status: criteria provided, single submitter. Criteria: Ambry Variant Classification Scheme 2023. Collection method: clinical testing. Allele origin: germline.
Comment: The p.S503C variant (also known as c.1508C>G), located in coding exon 7 of the SH2B3 gene, results from a C to G substitution at nucleotide position 1508. The serine at codon 503 is replaced by cysteine, an amino acid with dissimilar properties. This amino acid position is conserved. In addition, this alteration is predicted to be tolerated by in silico analysis. Based on the available evidence, the clinical significance of this variant remains unclear.

NM_005475.3(SH2B3):c.1508C>G (p.Ser503Cys)

Gene: SH2B3 (SH2B adaptor protein 3; plus strand). Cytogenetic location: 12q24.12.
Variant type: single nucleotide variant.
Coding change: c.1508C>G on transcript NM_005475.3 (MANE Select); coding-DNA position 1508, C replaced by G.
Protein change: p.Ser503Cys; replaces serine 503 with cysteine.
Molecular consequence: missense variant.
Genome position (GRCh38, 1-based): chr12:111,448,082, C>G. VCF-style: chr12-111448082-C-G. GRCh37 (hg19) VCF-style: chr12-111885886-C-G.
Other names: c.902C>G, p.Ser301Cys (NM_001291424.1); short protein forms S301C, S503C.
Identifiers: ClinVar variation 4163919 (VCV004163919.1).